The following is an entry in ClinVar:

NM_000051.4(ATM):c.8113G>A (p.Val2705Ile)

Genes: ATM (ATM serine/threonine kinase; plus strand), C11orf65 (chromosome 11 open reading frame 65; minus strand). Cytogenetic location: 11q22.3.
Variant type: single nucleotide variant.
Coding change: c.8113G>A on transcript NM_000051.4 (MANE Select); coding-DNA position 8113, G replaced by A.
Protein change: p.Val2705Ile; replaces valine 2705 with isoleucine.
Molecular consequence: missense variant. On other transcripts: intron variant (2).
Genome position (GRCh38, 1-based): chr11:108,335,071, G>A. VCF-style: chr11-108335071-G-A. GRCh37 (hg19) VCF-style: chr11-108205798-G-A.
Other names: p.V2705I:GTA>ATA; c.8113G>A, p.Val2705Ile (NM_001351834.2); c.641-26000C>T (NM_001330368.2); c.*38+149C>T (NM_001351110.2); short protein forms V2705I.
Identifiers: ClinVar variation 127454 (VCV000127454.39), dbSNP rs587779870, ClinGen allele CA287006.

ClinVar aggregate classification (germline): Conflicting classifications of pathogenicity. Review status: criteria provided, conflicting classifications (1 of 4 stars). 13 submissions from 13 submitters: Uncertain significance (8); Likely benign (3). 2 of the submissions do not count toward it. Last evaluated 2026-01-12.

Conditions:
ATM-related disorder. Also called: ATM-related disorders; ATM-related condition.
Hereditary cancer-predisposing syndrome. Also called: Neoplastic Syndromes, Hereditary; Hereditary Cancer Syndrome; Tumor predisposition; Hereditary neoplastic syndrome. Identifiers: Orphanet 140162, MedGen C0027672, MeSH D009386, MONDO:0015356.
Familial cancer of breast. Also called: BREAST CANCER, FAMILIAL; hereditary breast carcinoma; Hereditary breast cancer. Identifiers: Orphanet 227535, MedGen C0346153, MONDO:0016419, OMIM 114480. Disease mechanism: loss of function.
Ataxia-telangiectasia syndrome (AT). Also called: Ataxia-telangiectasia, complementation group D; AT, COMPLEMENTATION GROUP C; Ataxia-telangiectasia; ATAXIA-TELANGIECTASIA, COMPLEMENTATION GROUP A; ATAXIA-TELANGIECTASIA, FRESNO VARIANT; Ataxia-telangiectasia, complementation group E. Identifiers: Orphanet 100, MedGen C0004135, MONDO:0008840, OMIM 208900.

Allele frequency attached by ClinVar (database versions not stated): gnomAD 0.00002; TOPMed 0.00004.
gnomAD v4.1: 16 of 1,613,996 alleles (0.00099%); highest among the groups gnomAD compares: Non-Finnish European, 0.00093%; no homozygotes.

Submissions (13):

Labcorp Genetics (formerly Invitae), Labcorp
Classification: Uncertain significance for Ataxia-telangiectasia syndrome. Last evaluated: 2026-01-12. Review status: criteria provided, single submitter. Criteria: Invitae Variant Classification Sherloc (09022015). Collection method: clinical testing. Allele origin: germline.
Comment: This sequence change replaces valine, which is neutral and non-polar, with isoleucine, which is neutral and non-polar, at codon 2705 of the ATM protein (p.Val2705Ile). This variant is present in population databases (rs587779870, gnomAD 0.002%). This missense change has been observed in individual(s) with colorectal cancer and breast cancer (PMID: 25186627, 28135145). ClinVar contains an entry for this variant (Variation ID: 127454). Invitae Evidence Modeling of protein sequence and biophysical properties (such as structural, functional, and spatial information, amino acid conservation, physicochemical variation, residue mobility, and thermodynamic stability) indicates that this missense variant is not expected to disrupt ATM protein function with a negative predictive value of 95%. In summary, the available evidence is currently insufficient to determine the role of this variant in disease. Therefore, it has been classified as a Variant of Uncertain Significance.

GeneDx
Classification: Uncertain significance. Last evaluated: 2025-08-03. Review status: criteria provided, single submitter. Criteria: GeneDx Variant Classification Process June 2021. Collection method: clinical testing. Allele origin: germline. Affected: yes.
Comment: Observed in individuals with breast and other cancers (PMID: 28135145, 27913932, 25186627); Published functional studies demonstrate no damaging effect: KAP1 phosphorylation similar to wild type (PMID: 40105422); In silico analysis suggests that this missense variant does not alter protein structure/function; Not observed at significant frequency in large population cohorts (gnomAD); This variant is associated with the following publications: (PMID: 25186627, 28135145, 27913932, 25085752, 33471991, 35047863, 40105422)

Mayo Clinic Laboratories, Mayo Clinic
Classification: Uncertain significance. Last evaluated: 2025-05-27. Review status: criteria provided, single submitter. Criteria: ACMG Guidelines, 2015. Collection method: clinical testing. Allele origin: germline. Observed: 1 variant allele.
Comment: BP4_moderate

Women's Health and Genetics/Laboratory Corporation of America, LabCorp
Classification: Uncertain significance. Last evaluated: 2025-04-25. Review status: criteria provided, single submitter. Criteria: LabCorp Variant Classification Summary - May 2015. Collection method: clinical testing. Allele origin: germline.
Comment: Variant summary: ATM c.8113G>A (p.Val2705Ile) results in a conservative amino acid change located in the ATM, catalytic domain (IPR044107) of the encoded protein sequence. Four of five in-silico tools predict a benign effect of the variant on protein function. The variant allele was found at a frequency of 8e-06 in 251372 control chromosomes. The available data on variant occurrences in the general population are insufficient to allow any conclusion about variant significance. c.8113G>A has been observed in individual(s) affected with breast and/or ovarian, colorectal, and pancreatic cancers (example: Tung_2015, Tavera-Tapia_2017, Yurgelun_2017, Yu_2022), without strong evidence of causality. These report(s) do not provide unequivocal conclusions about association of the variant with Breast Cancer. At least one publication reports experimental evidence evaluating an impact on protein function. Specifically, a pKAP1 phospho-flow assay, calibrated using benign and pathogenic controls, was used to assess whether a variant was functionally neutral or deleterious and this assay demonstrated that the variant of interest was functionally neutral. The following publications have been ascertained in the context of this evaluation (PMID: 27913932, 25186627, 28135145, 35047863, 40105422). ClinVar contains an entry for this variant (Variation ID: 127454). Based on the evidence outlined above, the variant was classified as uncertain significance.

Ambry Genetics
Classification: Likely benign for Hereditary cancer-predisposing syndrome. Last evaluated: 2025-03-14. Review status: criteria provided, single submitter. Criteria: Ambry Variant Classification Scheme 2023. Collection method: clinical testing. Allele origin: germline.

PreventionGenetics, part of Exact Sciences
Classification: Uncertain significance for ATM-related condition. Last evaluated: 2024-12-05. Review status: criteria provided, single submitter. Criteria: ACMG Guidelines, 2015. Collection method: clinical testing. Allele origin: germline.
Comment: The ATM c.8113G>A variant is predicted to result in the amino acid substitution p.Val2705Ile. This variant was reported in an individual with colorectal cancer (Table A4, Yurgelun et al 2017. PubMed ID: 28135145) and in an individual with breast cancer (Table S2, Tung et al. 2014. PubMed ID: 25186627). Of note, in a separate breast cancer cohort, this variant was seen in no cases and in one control (Breast Cancer Association Consortium et al. 2021. PubMed ID: 33471991). This variant is reported in 0.0031% of alleles in individuals of European (Non-Finnish) descent in gnomAD and is interpreted as uncertain in ClinVar. At this time, the clinical significance of this variant is uncertain due to the absence of conclusive functional and genetic evidence.

Color Diagnostics, LLC DBA Color Health
Classification: Likely benign for Hereditary cancer-predisposing syndrome. Last evaluated: 2024-10-15. Review status: criteria provided, single submitter. Criteria: ACMG Guidelines, 2015. Collection method: clinical testing. Allele origin: germline.

Myriad Genetics, Inc.
Classification: Likely benign for Familial cancer of breast. Last evaluated: 2024-06-18. Review status: criteria provided, single submitter. Criteria: Myriad Autosomal Dominant, Autosomal Recessive and X-Linked Classification Criteria (2023). Collection method: clinical testing. Allele origin: unknown.
Comment: This variant is considered likely benign. This variant is strongly associated with less severe personal and family histories of cancer, typical for individuals without pathogenic variants in this gene [PMID: 25085752].

Baylor Genetics
Classification: Uncertain significance for Familial cancer of breast. Last evaluated: 2024-03-17. Review status: criteria provided, single submitter. Criteria: ACMG Guidelines, 2015. Collection method: clinical testing. Allele origin: unknown.

Sema4
Classification: Uncertain significance for Hereditary cancer-predisposing syndrome. Last evaluated: 2021-10-31. Review status: criteria provided, single submitter. Criteria: Sema4 Curation Guidelines. Collection method: curation. Allele origin: germline.
Comment: The ATM c.8113G>A (p.V2705I) variant has been reported in individuals with breast and/or ovarian cancer and colorectal cancer (PMID: 28135145, 27913932, 25186627). It was observed in 4/129106 chromosomes of the Non-Finnish European subpopulation in the large and broad cohorts of the Genome Aggregation Database (PMID: 32461654). This variant has been reported in ClinVar (Variation ID 127454). Functional studies have not been performed, and in silico predictions of the variant's effect on protein function are inconclusive. The evidence is insufficient to meet ACMG/AMP criteria for classifying the variant as benign or pathogenic. Thus, the clinical significance of this variant is currently uncertain.

Quest Diagnostics Nichols Institute San Juan Capistrano
Classification: Uncertain significance. Last evaluated: 2021-04-14. Review status: criteria provided, single submitter. Criteria: Quest Diagnostics criteria. Collection method: clinical testing. Allele origin: unknown.

Natera, Inc.
Classification: Uncertain significance for Ataxia-telangiectasia. Last evaluated: 2020-09-16. Review status: no assertion criteria provided. Collection method: clinical testing. Allele origin: germline. Not counted in ClinVar's aggregate classification.

Counsyl
Classification: Uncertain significance for Ataxia-telangiectasia syndrome. Last evaluated: 2018-05-23. Review status: no assertion criteria provided. Collection method: clinical testing. Allele origin: unknown. Not counted in ClinVar's aggregate classification.

Literature cited by the submitters: PubMed 25186627 (cited by 5 submitters); PubMed 28135145 (cited by 4 submitters); PubMed 27913932 (cited by 4 submitters); PubMed 35047863 (cited by Women's Health and Genetics/Laboratory Corporation of America, LabCorp); PubMed 40105422 (cited by Women's Health and Genetics/Laboratory Corporation of America, LabCorp); PubMed 25085752 (cited by Myriad Genetics, Inc.).